The following is an entry in ClinVar:

ClinVar aggregate classification (germline): Likely benign. Review status: criteria provided, single submitter (1 of 4 stars). 2 submissions from 2 submitters: Likely benign (1). 1 of the submissions does not count toward it. Last evaluated 2025-12-23.

Conditions:
CIT-related disorder. Also called: CIT-related condition.

Allele frequency attached by ClinVar (database versions not stated): gnomAD exomes 0.00004 and 0.00009; ExAC 0.00005; gnomAD 0.00008; TOPMed 0.00011.
gnomAD v4.1: 74 of 1,613,838 alleles (0.0046%); highest among the groups gnomAD compares: Admixed American, 0.033%; no homozygotes.

Submissions (2):

Labcorp Genetics (formerly Invitae), Labcorp
Classification: Likely benign. Last evaluated: 2025-12-23. Review status: criteria provided, single submitter. Criteria: Invitae Variant Classification Sherloc (09022015). Collection method: clinical testing. Allele origin: germline.

PreventionGenetics, part of Exact Sciences
Classification: Likely benign for CIT-related condition. Last evaluated: 2019-05-03. Review status: no assertion criteria provided. Collection method: clinical testing. Allele origin: germline. Not counted in ClinVar's aggregate classification.
Comment: This variant is classified as likely benign based on ACMG/AMP sequence variant interpretation guidelines (Richards et al. 2015 PMID: 25741868, with internal and published modifications).

NM_001206999.2(CIT):c.5274C>T (p.Asn1758=)

Gene: CIT (citron rho-interacting serine/threonine kinase; minus strand). Cytogenetic location: 12q24.23.
Variant type: single nucleotide variant.
Coding change: c.5274C>T on transcript NM_001206999.2 (MANE Select); coding-DNA position 5274, C replaced by T.
Protein change: p.Asn1758=; no amino-acid change (asparagine 1758 retained).
Molecular consequence: synonymous variant.
Genome position (GRCh38, 1-based): chr12:119,704,393, G>A on the plus strand (C>T on the coding strand, the complement: CIT is on the minus strand). VCF-style: chr12-119704393-G-A. GRCh37 (hg19) VCF-style: chr12-120142198-G-A.
Other names: c.5148C>T, p.Asn1716= (NM_007174.3).
Identifiers: ClinVar variation 756202 (VCV000756202.9), dbSNP rs780981739, ClinGen allele CA6820941.